The following is an entry in ClinVar:

NM_000059.4(BRCA2):c.8019A>T (p.Lys2673Asn)

Gene: BRCA2 (BRCA2 DNA repair associated; plus strand). Cytogenetic location: 13q13.1.
Variant type: single nucleotide variant.
Coding change: c.8019A>T on transcript NM_000059.4 (MANE Select); coding-DNA position 8019, A replaced by T.
Protein change: p.Lys2673Asn; replaces lysine 2673 with asparagine.
Molecular consequence: missense variant.
Genome position (GRCh38, 1-based): chr13:32,363,221, A>T. VCF-style: chr13-32363221-A-T. GRCh37 (hg19) VCF-style: chr13-32937358-A-T.
Other names: short protein forms K2673N.
Identifiers: ClinVar variation 531219 (VCV000531219.12), dbSNP rs1555286954, ClinGen allele CA387748829.
Genomic context (GRCh38, chr13:32,363,221, plus strand): 5'-TTTTGTTTTCACTTTTAGATATGATACGGAAATTGATAGAAGCAGAAGATCGGCTATAAA[A>T]AAGATAATGGAAAGGGATGACACAGCTGCAAAAACACTTGTTCTCTGTGTTTCTGACATA-3'
Protein context (NP_000050.3, residues 2663-2683): EIDRSRRSAI[Lys2673Asn]KIMERDDTAA

ClinVar aggregate classification (germline): Uncertain significance. Review status: criteria provided, multiple submitters, no conflicts (2 of 4 stars). 2 submissions from 2 submitters: Uncertain significance (2). Last evaluated 2022-12-13.

Conditions:
Hereditary cancer-predisposing syndrome. Also called: Hereditary neoplastic syndrome; Neoplastic Syndromes, Hereditary; Tumor predisposition; Hereditary Cancer Syndrome. Identifiers: Orphanet 140162, MedGen C0027672, MeSH D009386, MONDO:0015356.
Hereditary breast ovarian cancer syndrome. Also called: Hereditary breast and ovarian cancer syndrome (HBOC); BRCA1- and BRCA2-Associated Hereditary Breast and Ovarian Cancer; Hereditary breast and ovarian cancer syndrome; Breast and ovarian cancer; Hereditary breast and ovarian cancer; Hereditary breast and/or ovarian cancer syndrome. Identifiers: Orphanet 145, MedGen C0677776, MeSH D061325, MONDO:0003582. Disease mechanism: loss of function.

Submissions (2):

Ambry Genetics
Classification: Uncertain significance for Hereditary cancer-predisposing syndrome. Last evaluated: 2022-12-13. Review status: criteria provided, single submitter. Criteria: Ambry Variant Classification Scheme 2023. Collection method: clinical testing. Allele origin: germline.
Comment: The p.K2673N variant (also known as c.8019A>T), located in coding exon 17 of the BRCA2 gene, results from an A to T substitution at nucleotide position 8019. The lysine at codon 2673 is replaced by asparagine, an amino acid with similar properties. This amino acid position is not well conserved in available vertebrate species. In addition, the in silico prediction for this alteration is inconclusive. Since supporting evidence is limited at this time, the clinical significance of this alteration remains unclear.

Labcorp Genetics (formerly Invitae), Labcorp
Classification: Uncertain significance for Hereditary breast ovarian cancer syndrome. Last evaluated: 2019-03-16. Review status: criteria provided, single submitter. Criteria: Invitae Variant Classification Sherloc (09022015). Collection method: clinical testing. Allele origin: germline.
Comment: In summary, the available evidence is currently insufficient to determine the role of this variant in disease. Therefore, it has been classified as a Variant of Uncertain Significance. Algorithms developed to predict the effect of missense changes on protein structure and function (SIFT, PolyPhen-2, Align-GVGD) all suggest that this variant is likely to be disruptive, but these predictions have not been confirmed by published functional studies and their clinical significance is uncertain. This variant has not been reported in the literature in individuals with BRCA2-related conditions. ClinVar contains an entry for this variant (Variation ID: 531219). This variant is not present in population databases (ExAC no frequency). This sequence change replaces lysine with asparagine at codon 2673 of the BRCA2 protein (p.Lys2673Asn). The lysine residue is moderately conserved and there is a moderate physicochemical difference between lysine and asparagine.